The following is an entry in ClinVar:

NM_030943.4(AMN):c.701G>T (p.Cys234Phe)

Gene: AMN (amnion associated transmembrane protein; plus strand). Cytogenetic location: 14q32.32.
Variant type: single nucleotide variant.
Coding change: c.701G>T on transcript NM_030943.4 (MANE Select); coding-DNA position 701, G replaced by T.
Protein change: p.Cys234Phe; replaces cysteine 234 with phenylalanine.
Molecular consequence: missense variant.
Genome position (GRCh38, 1-based): chr14:102,929,477, G>T. VCF-style: chr14-102929477-G-T. GRCh37 (hg19) VCF-style: chr14-103395814-G-T.
Other names: short protein forms C234F.
Identifiers: ClinVar variation 56758 (VCV000056758.2), dbSNP rs386834176, ClinGen allele CA144420.

ClinVar aggregate classification (germline): Likely pathogenic (0 of 4 stars; one submission).

Conditions:
Imerslund-Grasbeck syndrome. Also called: PERNICIOUS ANEMIA, JUVENILE, DUE TO SELECTIVE INTESTINAL MALABSORPTION OF VITAMIN B12, WITH PROTEINURIA; Megaloblastic anemia due to inborn errors of metabolism; Imerslund-Gräsbeck syndrome; ENTEROCYTE COBALAMIN MALABSORPTION; ENTEROCYTE INTRINSIC FACTOR RECEPTOR, DEFECT OF. Identifiers: Orphanet 35858, MedGen C4551825, MONDO:0009853.

Allele frequency attached by ClinVar (database versions not stated): gnomAD exomes 0.00008.

Submission:

Juha Muilu Group; Institute for Molecular Medicine Finland (FIMM)
Classification: Likely pathogenic for Megaloblastic anemia due to inborn errors of metabolism. Review status: no assertion criteria provided. Collection method: not provided. Allele origin: unknown.
Comment: FinDis database variant: This variant was not found or characterized by our laboratory, data were collected from public sources: see reference
ClinVar note: Converted during submission from probable-pathogenic to Likely pathogenic.